The following is an entry in ClinVar:

ClinVar aggregate classification (germline): Uncertain significance (1 of 4 stars; one submission).

Submission:

Labcorp Genetics (formerly Invitae), Labcorp
Classification: Uncertain significance. Last evaluated: 2026-02-01. Review status: criteria provided, single submitter. Criteria: Invitae Variant Classification Sherloc (09022015). Collection method: clinical testing. Allele origin: germline.
Comment: This sequence change replaces serine, which is neutral and polar, with cysteine, which is neutral and slightly polar, at codon 2706 of the ANK3 protein (p.Ser2706Cys). This variant is not present in population databases (gnomAD no frequency). This variant has not been reported in the literature in individuals affected with ANK3-related conditions. Invitae Evidence Modeling of protein sequence and biophysical properties (such as structural, functional, and spatial information, amino acid conservation, physicochemical variation, residue mobility, and thermodynamic stability) indicates that this missense variant is not expected to disrupt ANK3 protein function with a negative predictive value of 80%. In summary, the available evidence is currently insufficient to determine the role of this variant in disease. Therefore, it has been classified as a Variant of Uncertain Significance.

NM_020987.5(ANK3):c.8117C>G (p.Ser2706Cys)

Gene: ANK3 (ankyrin 3; minus strand). Cytogenetic location: 10q21.2.
Variant type: single nucleotide variant.
Coding change: c.8117C>G on transcript NM_020987.5 (MANE Select); coding-DNA position 8117, C replaced by G.
Protein change: p.Ser2706Cys; replaces serine 2706 with cysteine.
Molecular consequence: missense variant. On other transcripts: intron variant (4).
Genome position (GRCh38, 1-based): chr10:60,072,764, G>C on the plus strand (C>G on the coding strand, the complement: ANK3 is on the minus strand). VCF-style: chr10-60072764-G-C. GRCh37 (hg19) VCF-style: chr10-61832522-G-C.
Other names: c.4388-4755C>G (NM_001204403.2); c.4409-4755C>G (NM_001204404.2); c.4406-4755C>G (NM_001320874.2); c.1808-4755C>G (NM_001149.4); short protein forms S2706C.
Identifiers: ClinVar variation 4696569 (VCV004696569.1).